The following is an entry in ClinVar:

ClinVar aggregate classification (germline): Uncertain significance (1 of 4 stars; one submission).

Conditions:
Hereditary cancer-predisposing syndrome. Also called: Neoplastic Syndromes, Hereditary; Tumor predisposition; Hereditary neoplastic syndrome; Hereditary Cancer Syndrome. Identifiers: Orphanet 140162, MedGen C0027672, MeSH D009386, MONDO:0015356.

Submission:

Ambry Genetics
Classification: Uncertain significance for Hereditary cancer-predisposing syndrome. Last evaluated: 2023-11-04. Review status: criteria provided, single submitter. Criteria: Ambry Variant Classification Scheme 2023. Collection method: clinical testing. Allele origin: germline.
Comment: The p.E725G variant (also known as c.2174A>G), located in coding exon 13 of the DICER1 gene, results from an A to G substitution at nucleotide position 2174. The glutamic acid at codon 725 is replaced by glycine, an amino acid with similar properties. This amino acid position is conserved. In addition, the in silico prediction for this alteration is inconclusive. Since supporting evidence is limited at this time, the clinical significance of this alteration remains unclear.

NM_177438.3(DICER1):c.2174A>G (p.Glu725Gly)

Gene: DICER1 (dicer 1, ribonuclease III; minus strand). Cytogenetic location: 14q32.13.
Variant type: single nucleotide variant.
Coding change: c.2174A>G on transcript NM_177438.3 (MANE Select); coding-DNA position 2174, A replaced by G.
Protein change: p.Glu725Gly; replaces glutamic acid 725 with glycine.
Molecular consequence: missense variant. On other transcripts: non-coding transcript variant (6).
Genome position (GRCh38, 1-based): chr14:95,111,399, T>C on the plus strand (A>G on the coding strand, the complement: DICER1 is on the minus strand). VCF-style: chr14-95111399-T-C. GRCh37 (hg19) VCF-style: chr14-95577736-T-C.
Other names: c.2174A>G, p.Glu725Gly (NM_001195573.1, NM_001271282.3, NM_001291628.2 and 13 more transcripts); c.1892A>G, p.Glu631Gly (NM_001395686.1); c.1769A>G, p.Glu590Gly (NM_001395687.1, NM_001395688.1, NM_001395689.1 and 3 more transcripts); c.1607A>G, p.Glu536Gly (NM_001395691.1); c.491A>G, p.Glu164Gly (NM_001395697.1); short protein forms E164G, E536G, E590G, E631G, E725G.
Identifiers: ClinVar variation 3229329 (VCV003229329.1), dbSNP rs2542913050, ClinGen allele CA390882729.